The following is an entry in ClinVar:

NM_014055.4(IFT81):c.792G>A (p.Lys264=)

Gene: IFT81 (intraflagellar transport 81; plus strand). Cytogenetic location: 12q24.11.
Variant type: single nucleotide variant.
Coding change: c.792G>A on transcript NM_014055.4 (MANE Select); coding-DNA position 792, G replaced by A.
Protein change: p.Lys264=; no amino-acid change (lysine 264 retained).
Molecular consequence: synonymous variant. On other transcripts: non-coding transcript variant (3), intron variant (2).
Genome position (GRCh38, 1-based): chr12:110,143,392, G>A. VCF-style: chr12-110143392-G-A. GRCh37 (hg19) VCF-style: chr12-110581197-G-A.
Other names: c.792G>A, p.Lys264= (NM_001143779.2, NM_001347946.2, NM_031473.4); c.16-3561G>A (NM_001347948.2, NM_001347947.2).
Identifiers: ClinVar variation 734183 (VCV000734183.14), dbSNP rs540684366, ClinGen allele CA6783194.

ClinVar aggregate classification (germline): Benign/Likely benign. Review status: criteria provided, multiple submitters, no conflicts (2 of 4 stars). 3 submissions from 3 submitters: Benign (1); Likely benign (1). 1 of the submissions does not count toward it. Last evaluated 2026-01-26.

Conditions:
IFT81-related disorder. Also called: IFT81-related condition.

Allele frequency attached by ClinVar (database versions not stated): gnomAD exomes 0.00009 and 0.00025; 1000 Genomes Project 30x 0.00062; 1000 Genomes Project 0.00080; gnomAD 0.00082 and 0.00088; TOPMed 0.00103; ExAC 0.00106.
gnomAD v4.1: 242 of 1,330,584 alleles (0.018%); highest among the groups gnomAD compares: African/African-American, 0.27%; no homozygotes.

Submissions (3):

Labcorp Genetics (formerly Invitae), Labcorp
Classification: Benign. Last evaluated: 2026-01-26. Review status: criteria provided, single submitter. Criteria: Invitae Variant Classification Sherloc (09022015). Collection method: clinical testing. Allele origin: germline.

Blueprint Genetics
Classification: Likely benign. Last evaluated: 2024-11-26. Review status: criteria provided, single submitter. Criteria: ACMG Guidelines, 2015. Collection method: clinical testing. Allele origin: germline.

PreventionGenetics, part of Exact Sciences
Classification: Likely benign for IFT81-related condition. Last evaluated: 2019-08-07. Review status: no assertion criteria provided. Collection method: clinical testing. Allele origin: germline. Not counted in ClinVar's aggregate classification.
Comment: This variant is classified as likely benign based on ACMG/AMP sequence variant interpretation guidelines (Richards et al. 2015 PMID: 25741868, with internal and published modifications).